The following is an entry in ClinVar:

NM_033380.3(COL4A5):c.3827G>T (p.Gly1276Val)

Gene: COL4A5 (collagen type IV alpha 5 chain; plus strand). Cytogenetic location: Xq22.3.
Variant type: single nucleotide variant.
Coding change: c.3827G>T on transcript NM_033380.3 (MANE Select); coding-DNA position 3827, G replaced by T.
Protein change: p.Gly1276Val; replaces glycine 1276 with valine.
Molecular consequence: missense variant.
Genome position (GRCh38, 1-based): chrX:108,677,518, G>T. VCF-style: chrX-108677518-G-T. GRCh37 (hg19) VCF-style: chrX-107920748-G-T.
Other names: c.3809G>T, p.Gly1270Val (NM_000495.5); short protein forms G1270V, G1276V.
Identifiers: ClinVar variation 1067523 (VCV001067523.9), dbSNP rs2147974833, ClinGen allele CA413850152.

ClinVar aggregate classification (germline): Likely pathogenic (1 of 4 stars; one submission).

Submission:

Labcorp Genetics (formerly Invitae), Labcorp
Classification: Likely pathogenic. Last evaluated: 2021-01-29. Review status: criteria provided, single submitter. Criteria: Invitae Variant Classification Sherloc (09022015). Collection method: clinical testing. Allele origin: germline.
Comment: In summary, this variant is a novel missense change affecting a residue that is known to be critical for normal protein structure, stability and function. This type of missense change is also highly enriched in affected individuals and expected to be pathogenic. However, without additional functional and/or genetic data, this variant has been classified as Likely Pathogenic. Glycine residues within the Gly-Xaa-Yaa repeats of the triple helix domain are required for the structure and stability of fibrillar collagens (PMID: 7695699, 8218237, 19344236). In COL4A5, missense variants at these glycine residues are significantly enriched in individuals with disease (PMID: 23720012, 27627812) compared to the general population (ExAC). Advanced modeling of protein sequence and biophysical properties (such as structural, functional, and spatial information, amino acid conservation, physicochemical variation, residue mobility, and thermodynamic stability) performed at Invitae indicates that this missense variant is expected to disrupt COL4A5 protein function. This variant has been observed in individual(s) with clinical features of Alport syndrome (Invitae). This variant is not present in population databases (ExAC no frequency). This sequence change replaces glycine with valine at codon 1270 of the COL4A5 protein (p.Gly1270Val). The glycine residue is highly conserved and there is a moderate physicochemical difference between glycine and valine.

Literature cited by the submitters: PubMed 7695699; PubMed 8218237; PubMed 19344236; PubMed 23720012; PubMed 27627812.